The following is an entry in ClinVar:

NM_003867.4(FGF17):c.560A>G (p.Asn187Ser)

Gene: FGF17 (fibroblast growth factor 17; plus strand). Cytogenetic location: 8p21.3.
Variant type: single nucleotide variant.
Coding change: c.560A>G on transcript NM_003867.4 (MANE Select); coding-DNA position 560, A replaced by G.
Protein change: p.Asn187Ser; replaces asparagine 187 with serine.
Molecular consequence: missense variant.
Genome position (GRCh38, 1-based): chr8:22,048,158, A>G. VCF-style: chr8-22048158-A-G. GRCh37 (hg19) VCF-style: chr8-21905669-A-G.
Other names: c.527A>G, p.Asn176Ser (NM_001304478.1); short protein forms N187S, N176S.
Identifiers: ClinVar variation 50860 (VCV000050860.3), dbSNP rs398123026, ClinGen allele CA143812.

ClinVar aggregate classification (germline): Uncertain significance. Review status: criteria provided, single submitter (1 of 4 stars). 2 submissions from 2 submitters: Uncertain significance (1). 1 of the submissions does not count toward it. Last evaluated 2025-02-03.

Conditions:
Hypogonadotropic hypogonadism 20 with or without anosmia (HH20). Also called: HYPOGONADOTROPIC HYPOGONADISM 20 WITH ANOSMIA, SUSCEPTIBILITY TO; HYPOGONADOTROPIC HYPOGONADISM 20 WITH ANOSMIA. Identifiers: Orphanet 478, MedGen C3808983, MONDO:0014106, OMIM 615270.

Allele frequency attached by ClinVar (database versions not stated): gnomAD exomes below 0.00001; ExAC 0.00001.
gnomAD v4.1: 2 of 1,613,122 alleles (0.00012%); highest among the groups gnomAD compares: Non-Finnish European, 0.00017%; no homozygotes.

Submissions (2):

Labcorp Genetics (formerly Invitae), Labcorp
Classification: Uncertain significance. Last evaluated: 2025-02-03. Review status: criteria provided, single submitter. Criteria: Invitae Variant Classification Sherloc (09022015). Collection method: clinical testing. Allele origin: germline.
Comment: This sequence change replaces asparagine, which is neutral and polar, with serine, which is neutral and polar, at codon 187 of the FGF17 protein (p.Asn187Ser). This variant is present in population databases (rs398123026, gnomAD 0.003%). This missense change has been observed in individual(s) with Kallmann syndrome (PMID: 23643382). ClinVar contains an entry for this variant (Variation ID: 50860). An algorithm developed to predict the effect of missense changes on protein structure and function (PolyPhen-2) suggests that this variant is likely to be disruptive. Experimental studies have shown that this missense change does not substantially affect FGF17 function (PMID: 23643382). In summary, the available evidence is currently insufficient to determine the role of this variant in disease. Therefore, it has been classified as a Variant of Uncertain Significance.

OMIM
Classification: Pathogenic for HYPOGONADOTROPIC HYPOGONADISM 20 WITH ANOSMIA. Last evaluated: 2013-05-02. Review status: no assertion criteria provided. Collection method: literature only. Allele origin: germline. Not counted in ClinVar's aggregate classification.

Literature cited by the submitters: PubMed 23643382 (cited by Labcorp Genetics (formerly Invitae), Labcorp and OMIM).